The following is an entry in ClinVar:

NM_015192.4(PLCB1):c.116C>T (p.Thr39Ile)

Gene: PLCB1 (phospholipase C beta 1; plus strand). Cytogenetic location: 20p12.3.
Variant type: single nucleotide variant.
Coding change: c.116C>T on transcript NM_015192.4 (MANE Select); coding-DNA position 116, C replaced by T.
Protein change: p.Thr39Ile; replaces threonine 39 with isoleucine.
Molecular consequence: missense variant.
Genome position (GRCh38, 1-based): chr20:8,150,310, C>T. VCF-style: chr20-8150310-C-T. GRCh37 (hg19) VCF-style: chr20-8130957-C-T.
Other names: c.116C>T, p.Thr39Ile (NM_182734.3); c.116C>T (NM_015192.2); short protein forms T39I.
Identifiers: ClinVar variation 567284 (VCV000567284.10), dbSNP rs751520312, ClinGen allele CA9759570.

ClinVar aggregate classification (germline): Uncertain significance. Review status: criteria provided, multiple submitters, no conflicts (2 of 4 stars). 3 submissions from 3 submitters: Uncertain significance (3). Last evaluated 2024-07-31.

Conditions:
Inborn genetic diseases. Identifiers: MedGen C0950123, MeSH D030342.
Developmental and epileptic encephalopathy, 12 (DEE12). Identifiers: MedGen C3150988, MONDO:0013389, OMIM 613722.

Allele frequency attached by ClinVar (database versions not stated): gnomAD exomes 0.00001; gnomAD 0.00013 and 0.00014; TOPMed 0.00020.
gnomAD v4.1: 27 of 1,524,070 alleles (0.0018%); highest among the groups gnomAD compares: African/African-American, 0.033%; no homozygotes.

Submissions (3):

Ambry Genetics
Classification: Uncertain significance for Inborn genetic diseases. Last evaluated: 2024-07-31. Review status: criteria provided, single submitter. Criteria: Ambry Variant Classification Scheme 2023. Collection method: clinical testing. Allele origin: germline.

Labcorp Genetics (formerly Invitae), Labcorp
Classification: Uncertain significance for Developmental and epileptic encephalopathy, 12. Last evaluated: 2024-07-01. Review status: criteria provided, single submitter. Criteria: Invitae Variant Classification Sherloc (09022015). Collection method: clinical testing. Allele origin: germline.
Comment: This sequence change replaces threonine, which is neutral and polar, with isoleucine, which is neutral and non-polar, at codon 39 of the PLCB1 protein (p.Thr39Ile). This variant is present in population databases (rs751520312, gnomAD 0.04%). This variant has not been reported in the literature in individuals affected with PLCB1-related conditions. ClinVar contains an entry for this variant (Variation ID: 567284). Advanced modeling of protein sequence and biophysical properties (such as structural, functional, and spatial information, amino acid conservation, physicochemical variation, residue mobility, and thermodynamic stability) performed at Invitae indicates that this missense variant is not expected to disrupt PLCB1 protein function with a negative predictive value of 80%. In summary, the available evidence is currently insufficient to determine the role of this variant in disease. Therefore, it has been classified as a Variant of Uncertain Significance.

Fulgent Genetics
Classification: Uncertain significance for Developmental and epileptic encephalopathy, 12. Last evaluated: 2018-10-31. Review status: criteria provided, single submitter. Criteria: ACMG Guidelines, 2015. Collection method: clinical testing. Allele origin: unknown.